The following is an entry in ClinVar:

ClinVar aggregate classification (germline): Uncertain significance (1 of 4 stars; one submission).

Submission:

Labcorp Genetics (formerly Invitae), Labcorp
Classification: Uncertain significance. Last evaluated: 2022-08-23. Review status: criteria provided, single submitter. Criteria: Invitae Variant Classification Sherloc (09022015). Collection method: clinical testing. Allele origin: germline.
Comment: In summary, the available evidence is currently insufficient to determine the role of this variant in disease. Therefore, it has been classified as a Variant of Uncertain Significance. Experimental studies and prediction algorithms are not available or were not evaluated, and the functional significance of this variant is currently unknown. ClinVar contains an entry for this variant (Variation ID: 1479862). This variant has not been reported in the literature in individuals affected with COL18A1-related conditions. This variant is not present in population databases (gnomAD no frequency). This sequence change replaces aspartic acid, which is acidic and polar, with asparagine, which is neutral and polar, at codon 643 of the COL18A1 protein (p.Asp643Asn).

NM_001379500.1(COL18A1):c.1927G>A (p.Asp643Asn)

Gene: COL18A1 (collagen type XVIII alpha 1 chain; plus strand). Cytogenetic location: 21q22.3.
Variant type: single nucleotide variant.
Coding change: c.1927G>A on transcript NM_001379500.1 (MANE Select); coding-DNA position 1927, G replaced by A.
Protein change: p.Asp643Asn; replaces aspartic acid 643 with asparagine.
Molecular consequence: missense variant.
Genome position (GRCh38, 1-based): chr21:45,489,489, G>A. VCF-style: chr21-45489489-G-A. GRCh37 (hg19) VCF-style: chr21-46909403-G-A.
Other names: c.2467G>A, p.Asp823Asn (NM_030582.4); c.3172G>A, p.Asp1058Asn (NM_130444.3); short protein forms D823N, D643N, D1058N.
Identifiers: ClinVar variation 1479862 (VCV001479862.6), dbSNP rs2036224001, ClinGen allele CA410496615.